The following is an entry in ClinVar:

ClinVar aggregate classification (germline): Likely pathogenic. Review status: criteria provided, single submitter (1 of 4 stars). 3 submissions from 3 submitters: Likely pathogenic (1). 2 of the submissions do not count toward it. Last evaluated 2022-03-15.

Conditions:
Neurodevelopmental disorder with hypotonia and brain abnormalities. Identifiers: MedGen C5561977, MONDO:0859187, OMIM 619512.
Neurodevelopmental delay. Identifiers: MedGen C4022738, HP:0012758.

Submissions (3):

SIB Swiss Institute of Bioinformatics
Classification: Likely pathogenic for Neurodevelopmental disorder with hypotonia and brain abnormalities. Last evaluated: 2022-03-15. Review status: criteria provided, single submitter. Criteria: ACMG Guidelines, 2015. Collection method: curation. Allele origin: unknown.
Comment: This variant is interpreted as likely pathogenic for Neurodevelopmental disorder with hypotonia and brain abnormalities, autosomal dominant. The following ACMG Tag(s) were applied: Absent from controls (or at extremely low frequency if recessive) in Exome Sequencing Project, 1000 Genomes Project, or Exome Aggregation Consortium (PM2); De novo, paternity and maternity confirmed (PS2 downgraded to moderate); Multiple lines of computational evidence support a deleterious effect on the gene or gene product (PP3); Missense variant in a gene that has a low rate of benign missense variation (PP2).

OMIM
Classification: Pathogenic for NEURODEVELOPMENTAL DISORDER WITH HYPOTONIA AND BRAIN ABNORMALITIES. Last evaluated: 2021-09-02. Review status: no assertion criteria provided. Collection method: literature only. Allele origin: germline. Not counted in ClinVar's aggregate classification.

Gene Discovery Core-Manton Center, Boston Children's Hospital
Classification: Pathogenic for Neurodevelopmental delay. Review status: no assertion criteria provided. Collection method: clinical testing. Allele origin: de novo. Affected: yes. Observed: 1 variant allele. Not counted in ClinVar's aggregate classification.

Literature cited by the submitters: PubMed 34186028 (cited by SIB Swiss Institute of Bioinformatics and OMIM).

NM_001829.4(CLCN3):c.1820T>C (p.Ile607Thr)

Gene: CLCN3 (chloride voltage-gated channel 3; plus strand). Cytogenetic location: 4q33.
Variant type: single nucleotide variant.
Coding change: c.1820T>C on transcript NM_001829.4 (MANE Select); coding-DNA position 1820, T replaced by C.
Protein change: p.Ile607Thr; replaces isoleucine 607 with threonine.
Molecular consequence: missense variant.
Genome position (GRCh38, 1-based): chr4:169,706,937, T>C. VCF-style: chr4-169706937-T-C. GRCh37 (hg19) VCF-style: chr4-170628088-T-C.
Other names: c.1739T>C, p.Ile580Thr (NM_001243372.2, NM_001243374.2); c.1820T>C, p.Ile607Thr (NM_173872.4); short protein forms I580T, I607T.
Identifiers: ClinVar variation 1192290 (VCV001192290.3), dbSNP rs2150267036, ClinGen allele CA358740594.